The following is an entry in ClinVar:

ClinVar aggregate classification (germline): Benign/Likely benign. Review status: criteria provided, multiple submitters, no conflicts (2 of 4 stars). 4 submissions from 4 submitters: Benign (2); Likely benign (1). 1 of the submissions does not count toward it. Last evaluated 2025-12-25.

Conditions:
THAP11-related disorder. Also called: THAP11-related condition.

Allele frequency attached by ClinVar (database versions not stated): gnomAD exomes 0.00259 and 0.00120; ExAC 0.00300; ESP Exome Variant Server 0.00666; 1000 Genomes Project 0.00958; gnomAD 0.01174 and 0.01260; TOPMed 0.01267.

Submissions (4):

Labcorp Genetics (formerly Invitae), Labcorp
Classification: Benign. Last evaluated: 2025-12-25. Review status: criteria provided, single submitter. Criteria: Invitae Variant Classification Sherloc (09022015). Collection method: clinical testing. Allele origin: germline.

Mayo Clinic Laboratories, Mayo Clinic
Classification: Likely benign. Last evaluated: 2024-11-14. Review status: criteria provided, single submitter. Criteria: ACMG Guidelines, 2015. Collection method: clinical testing. Allele origin: germline. Observed: 2 variant alleles.
Comment: BS1, BS2, BP7

Breakthrough Genomics
Classification: Benign. Review status: criteria provided, single submitter. Criteria: ACMG Guidelines, 2015. Collection method: not provided. Allele origin: germline. Inheritance: Unknown mechanism. Affected: yes.

PreventionGenetics, part of Exact Sciences
Classification: Benign for THAP11-related condition. Last evaluated: 2019-12-23. Review status: no assertion criteria provided. Collection method: clinical testing. Allele origin: germline. Not counted in ClinVar's aggregate classification.
Comment: This variant is classified as benign based on ACMG/AMP sequence variant interpretation guidelines (Richards et al. 2015 PMID: 25741868, with internal and published modifications).

NM_020457.3(THAP11):c.321A>G (p.Gln107=)

Genes: CENPT (centromere protein T; minus strand), THAP11 (THAP domain containing 11; plus strand). Cytogenetic location: 16q22.1.
Variant type: single nucleotide variant.
Coding change: c.321A>G on transcript NM_020457.3 (MANE Select); coding-DNA position 321, A replaced by G.
Protein change: p.Gln107=; no amino-acid change (glutamine 107 retained).
Molecular consequence: synonymous variant. On other transcripts: intron variant (1).
Genome position (GRCh38, 1-based): chr16:67,842,875, A>G. VCF-style: chr16-67842875-A-G. GRCh37 (hg19) VCF-style: chr16-67876778-A-G.
Other names: p.Gln107=; c.-492+4526T>C (NM_025082.4).
Identifiers: ClinVar variation 1625453 (VCV001625453.12), dbSNP rs28635005, ClinGen allele CA8118168.